The following is an entry in ClinVar:

NM_002519.3(NPAT):c.3479T>G (p.Phe1160Cys)

Gene: NPAT (nuclear protein, coactivator of histone transcription; minus strand). Cytogenetic location: 11q22.3.
Variant type: single nucleotide variant.
Coding change: c.3479T>G on transcript NM_002519.3 (MANE Select); coding-DNA position 3479, T replaced by G.
Protein change: p.Phe1160Cys; replaces phenylalanine 1160 with cysteine.
Molecular consequence: missense variant.
Genome position (GRCh38, 1-based): chr11:108,161,607, A>C on the plus strand (T>G on the coding strand, the complement: NPAT is on the minus strand). VCF-style: chr11-108161607-A-C. GRCh37 (hg19) VCF-style: chr11-108032334-A-C.
Other names: c.3500T>G, p.Phe1167Cys (NM_001321307.1); short protein forms F1167C, F1160C.
Identifiers: ClinVar variation 1731816 (VCV001731816.2), dbSNP rs750312221, ClinGen allele CA382510725.

ClinVar aggregate classification (germline): Uncertain significance (1 of 4 stars; one submission).

Allele frequency attached by ClinVar (database versions not stated): TOPMed below 0.00001; gnomAD 0.00001.
gnomAD v4.1: 1 of 1,614,044 alleles (0.000062%); highest among the groups gnomAD compares: Non-Finnish European, 0.000085%; no homozygotes.

Submission:

Ambry Genetics
Classification: Uncertain significance. Last evaluated: 2023-12-15. Review status: criteria provided, single submitter. Criteria: Ambry Variant Classification Scheme 2023. Collection method: clinical testing. Allele origin: germline.
Comment: The p.F1160C variant (also known as c.3479T>G), located in coding exon 17 of the NPAT gene, results from a T to G substitution at nucleotide position 3479. The phenylalanine at codon 1160 is replaced by cysteine, an amino acid with highly dissimilar properties. This amino acid position is conserved. In addition, this alteration is predicted to be tolerated by in silico analysis. Since supporting evidence is limited at this time, the clinical significance of this alteration remains unclear.